The following is an entry in ClinVar:

NM_001369369.1(FOXN1):c.1135+1_1135+2delinsAG

Gene: FOXN1 (forkhead box N1; plus strand). Cytogenetic location: 17q11.2.
Variant type: Indel.
Coding change: c.1135+1_1135+2delinsAG on transcript NM_001369369.1 (MANE Select); the canonical splice donor site of the intron after coding-DNA position 1135, GT replaced by AG.
Molecular consequence: splice donor variant.
Genome position (GRCh38, 1-based): chr17:28,534,539-28,534,540, GT replaced by AG. VCF-style: chr17-28534539-GT-AG. GRCh37 (hg19) VCF-style: chr17-26861557-GT-AG.
Other names: c.1135+1_1135+2delinsAG (NM_003593.3); c.1135+1_1135+2delGTinsAG (NM_003593.2).
Identifiers: ClinVar variation 422253 (VCV000422253.7), dbSNP rs1064795660, ClinGen allele CA16620350.

ClinVar aggregate classification (germline): Likely pathogenic. Review status: criteria provided, multiple submitters, no conflicts (2 of 4 stars). 2 submissions from 2 submitters: Likely pathogenic (2). Last evaluated 2022-03-04.

Conditions:
T-cell immunodeficiency, congenital alopecia, and nail dystrophy. Also called: Congenital alopecia and nail dystrophy associated with severe functional T-cell immunodeficiency; Pignata Guarino syndrome. Identifiers: Orphanet 169095, MedGen C1866426, MONDO:0011132, OMIM 601705.

Submissions (2):

Labcorp Genetics (formerly Invitae), Labcorp
Classification: Likely pathogenic for T-cell immunodeficiency, congenital alopecia, and nail dystrophy. Last evaluated: 2022-03-04. Review status: criteria provided, single submitter. Criteria: Invitae Variant Classification Sherloc (09022015). Collection method: clinical testing. Allele origin: germline.
Comment: This sequence change affects a splice site in intron 6 of the FOXN1 gene. It is expected to disrupt RNA splicing. Variants that disrupt the donor or acceptor splice site typically lead to a loss of protein function (PMID: 16199547), and loss-of-function variants in FOXN1 are known to be pathogenic (PMID: 10206641, 15180707, 31447097). Information on the frequency of this variant in the gnomAD database is not available, as this variant may be reported differently in the database. This variant has not been reported in the literature in individuals affected with FOXN1-related conditions. ClinVar contains an entry for this variant (Variation ID: 422253). Experimental studies and prediction algorithms are not available or were not evaluated, and the effect of this variant on mRNA splicing is currently unknown. In summary, the currently available evidence indicates that the variant is pathogenic, but additional data are needed to prove that conclusively. Therefore, this variant has been classified as Likely Pathogenic.

GeneDx
Classification: Likely pathogenic. Last evaluated: 2016-09-13. Review status: criteria provided, single submitter. Criteria: GeneDx Variant Classification (06012015). Collection method: clinical testing. Allele origin: germline. Affected: yes.
Comment: The c.1135+1_1135+2delGTinsAG splice site variant in the FOXN1 gene destroys the canonical splice donor site in intron 6. It is predicted to cause abnormal gene splicing, either leading to an abnormal message that is subject to nonsense-mediated mRNA decay, or to an abnormal protein product if the message is used for protein translation. However, very few variants in this gene have been published, and no splicing variant has been published in the Human Gene Mutation Database in association with disease (Stenson et al., 2014). Therefore, we consider this variant to be likely pathogenic.

Literature cited by the submitters: PubMed 16199547 (cited by Labcorp Genetics (formerly Invitae), Labcorp); PubMed 10206641 (cited by Labcorp Genetics (formerly Invitae), Labcorp); PubMed 15180707 (cited by Labcorp Genetics (formerly Invitae), Labcorp); PubMed 31447097 (cited by Labcorp Genetics (formerly Invitae), Labcorp).